The following is an entry in ClinVar:

ClinVar aggregate classification (germline): Uncertain significance. Review status: criteria provided, multiple submitters, no conflicts (2 of 4 stars). 3 submissions from 3 submitters: Uncertain significance (3). Last evaluated 2026-06-16.

Conditions:
PCNT-related disorder. Also called: PCNT-related condition.
Microcephalic osteodysplastic primordial dwarfism type II (MOPD2). Also called: MOPD II; OSTEODYSPLASTIC PRIMORDIAL DWARFISM, TYPE II; Microcephalic osteodysplastic primordial dwarfism with tooth abnormalities. Identifiers: Orphanet 2637, MedGen C0432246, MONDO:0008872, OMIM 210720.

Allele frequency attached by ClinVar (database versions not stated): TOPMed 0.00001; gnomAD exomes 0.00004; ExAC 0.00007.
gnomAD v4.1: 21 of 1,611,378 alleles (0.0013%); highest among the groups gnomAD compares: Non-Finnish European, 0.0018%; no homozygotes.

Submissions (3):

PreventionGenetics, part of Exact Sciences
Classification: Uncertain significance for PCNT-related condition. Last evaluated: 2026-06-16. Review status: criteria provided, single submitter. Criteria: ACMG Guidelines, 2015. Collection method: clinical testing. Allele origin: germline.
Comment: The PCNT c.1457-5T>A variant is predicted to interfere with splicing. To our knowledge, this variant has not been reported in the literature. This variant is reported in 0.0080% of alleles in individuals of European (Non-Finnish) descent in gnomAD. At this time, the clinical significance of this variant is uncertain due to the absence of conclusive functional and genetic evidence.

Fulgent Genetics
Classification: Uncertain significance for Microcephalic osteodysplastic primordial dwarfism type II. Last evaluated: 2022-03-26. Review status: criteria provided, single submitter. Criteria: ACMG Guidelines, 2015. Collection method: clinical testing. Allele origin: unknown.

Genetic Services Laboratory, University of Chicago
Classification: Uncertain significance. Last evaluated: 2015-01-23. Review status: criteria provided, single submitter. Criteria: ACMG Guidelines, 2015. Collection method: clinical testing. Allele origin: germline.

NM_006031.6(PCNT):c.1457-5T>A

Gene: PCNT (pericentrin; plus strand). Cytogenetic location: 21q22.3.
Variant type: single nucleotide variant.
Coding change: c.1457-5T>A on transcript NM_006031.6 (MANE Select); 5 bases into the intron before coding-DNA position 1457, T replaced by A.
Molecular consequence: intron variant.
Genome position (GRCh38, 1-based): chr21:46,353,099, T>A. VCF-style: chr21-46353099-T-A. GRCh37 (hg19) VCF-style: chr21-47773013-T-A.
Other names: c.1103-5T>A (NM_001315529.2).
Identifiers: ClinVar variation 211843 (VCV000211843.8), dbSNP rs769237607, ClinGen allele CA206160.